The following is an entry in ClinVar:

NM_001942.4(DSG1):c.2900C>A (p.Thr967Asn)

Genes: DSG1 (desmoglein 1; plus strand), DSG1-AS1 (DSG1 antisense RNA 1; minus strand). Cytogenetic location: 18q12.1.
Variant type: single nucleotide variant.
Coding change: c.2900C>A on transcript NM_001942.4 (MANE Select); coding-DNA position 2900, C replaced by A.
Protein change: p.Thr967Asn; replaces threonine 967 with asparagine.
Molecular consequence: missense variant.
Genome position (GRCh38, 1-based): chr18:31,355,096, C>A. VCF-style: chr18-31355096-C-A. GRCh37 (hg19) VCF-style: chr18-28935059-C-A.
Other names: short protein forms T967N.
Identifiers: ClinVar variation 2975527 (VCV002975527.3), dbSNP rs1250864435, ClinGen allele CA402125022.

ClinVar aggregate classification (germline): Uncertain significance (1 of 4 stars; one submission).

Allele frequency attached by ClinVar (database versions not stated): gnomAD 0.00001.
gnomAD v4.1: 8 of 1,614,042 alleles (0.0005%); highest among the groups gnomAD compares: Non-Finnish European, 0.00068%; no homozygotes.

Submission:

Labcorp Genetics (formerly Invitae), Labcorp
Classification: Uncertain significance. Last evaluated: 2025-11-10. Review status: criteria provided, single submitter. Criteria: Invitae Variant Classification Sherloc (09022015). Collection method: clinical testing. Allele origin: germline.
Comment: This sequence change replaces threonine, which is neutral and polar, with asparagine, which is neutral and polar, at codon 967 of the DSG1 protein (p.Thr967Asn). This variant is not present in population databases (gnomAD no frequency). This variant has not been reported in the literature in individuals affected with DSG1-related conditions. ClinVar contains an entry for this variant (Variation ID: 2975527). An algorithm developed to predict the effect of missense changes on protein structure and function (PolyPhen-2) suggests that this variant is likely to be disruptive. In summary, the available evidence is currently insufficient to determine the role of this variant in disease. Therefore, it has been classified as a Variant of Uncertain Significance.